The following is an entry in ClinVar:

ClinVar aggregate classification (germline): Uncertain significance (1 of 4 stars; one submission).

Allele frequency attached by ClinVar (database versions not stated): gnomAD 0.00002; gnomAD exomes below 0.00001; TOPMed below 0.00001.

Submission:

Labcorp Genetics (formerly Invitae), Labcorp
Classification: Uncertain significance. Last evaluated: 2022-06-27. Review status: criteria provided, single submitter. Criteria: Invitae Variant Classification Sherloc (09022015). Collection method: clinical testing. Allele origin: germline.
Comment: This sequence change replaces histidine, which is basic and polar, with leucine, which is neutral and non-polar, at codon 99 of the CABP4 protein (p.His99Leu). This variant is present in population databases (no rsID available, gnomAD 0.009%). This variant has not been reported in the literature in individuals affected with CABP4-related conditions. ClinVar contains an entry for this variant (Variation ID: 938739). Advanced modeling of protein sequence and biophysical properties (such as structural, functional, and spatial information, amino acid conservation, physicochemical variation, residue mobility, and thermodynamic stability) performed at Invitae indicates that this missense variant is not expected to disrupt CABP4 protein function. In summary, the available evidence is currently insufficient to determine the role of this variant in disease. Therefore, it has been classified as a Variant of Uncertain Significance.

NM_145200.5(CABP4):c.296A>T (p.His99Leu)

Gene: CABP4 (calcium binding protein 4; plus strand). Cytogenetic location: 11q13.2.
Variant type: single nucleotide variant.
Coding change: c.296A>T on transcript NM_145200.5 (MANE Select); coding-DNA position 296, A replaced by T.
Protein change: p.His99Leu; replaces histidine 99 with leucine.
Molecular consequence: missense variant. On other transcripts: 5 prime UTR variant (3), non-coding transcript variant (1).
Genome position (GRCh38, 1-based): chr11:67,455,719, A>T. VCF-style: chr11-67455719-A-T. GRCh37 (hg19) VCF-style: chr11-67223190-A-T.
Other names: c.-88A>T (NM_001300895.3); c.-102A>T (NM_001300896.3, NM_001379183.1); short protein forms H99L.
Identifiers: ClinVar variation 938739 (VCV000938739.7), dbSNP rs1204864137, ClinGen allele CA381527553.